The following is an entry in ClinVar:

ClinVar aggregate classification (germline): Likely pathogenic. Review status: criteria provided, multiple submitters, no conflicts (2 of 4 stars). 2 submissions from 2 submitters: Likely pathogenic (2). Last evaluated 2026-04-16.

Conditions:
Autosomal dominant nonsyndromic hearing loss 2A. Also called: Autosomal dominant nonsyndromic deafness 2A; DFNA2 Nonsyndromic Hearing Loss; Deafness, autosomal dominant 2A. Identifiers: Orphanet 90635, MedGen C2677637, MONDO:0010817, OMIM 600101.

gnomAD v4.1: 2 of 1,613,978 alleles (0.00012%); highest among the groups gnomAD compares: Non-Finnish European, 0.00017%; no homozygotes.

Submissions (2):

GeneDx
Classification: Likely pathogenic. Last evaluated: 2026-04-16. Review status: criteria provided, single submitter. Criteria: GeneDx Variant Classification Process June 2021. Collection method: clinical testing. Allele origin: germline.
Comment: Nonsense variant predicted to result in protein truncation or nonsense mediated decay in a gene for which loss of function is a known mechanism of disease; Not observed at significant frequency in large population cohorts (gnomAD); Has not been previously published as pathogenic or benign to our knowledge

Juno Genomics, Hangzhou Juno Genomics, Inc
Classification: Likely pathogenic for Autosomal dominant nonsyndromic hearing loss 2A. Review status: criteria provided, single submitter. Criteria: ACMG Guidelines, 2015. Collection method: clinical testing. Allele origin: germline.
Comment: Null variant in a gene where loss of function (LOF) is a known mechanism of disease.;Absent from controls (or at extremely low frequency if recessive) in Genome Aggregation Database.

NM_004700.4(KCNQ4):c.1660C>T (p.Arg554Ter)

Gene: KCNQ4 (potassium voltage-gated channel subfamily Q member 4; plus strand). Cytogenetic location: 1p34.2.
Variant type: single nucleotide variant.
Coding change: c.1660C>T on transcript NM_004700.4 (MANE Select); coding-DNA position 1660, C replaced by T.
Protein change: p.Arg554Ter; replaces arginine 554 with a stop codon.
Molecular consequence: nonsense.
Genome position (GRCh38, 1-based): chr1:40,835,013, C>T. VCF-style: chr1-40835013-C-T. GRCh37 (hg19) VCF-style: chr1-41300685-C-T.
Other names: c.1498C>T, p.Arg500Ter (NM_172163.3); short protein forms R554*, R500*.
Identifiers: ClinVar variation 3391584 (VCV003391584.4).